The following is an entry in ClinVar:

NM_000441.2(SLC26A4):c.154A>T (p.Lys52Ter)

Genes: SLC26A4 (solute carrier family 26 member 4; plus strand), SLC26A4-AS1 (SLC26A4 antisense RNA 1; minus strand). Cytogenetic location: 7q22.3.
Variant type: single nucleotide variant.
Coding change: c.154A>T on transcript NM_000441.2 (MANE Select); coding-DNA position 154, A replaced by T.
Protein change: p.Lys52Ter; replaces lysine 52 with a stop codon.
Molecular consequence: nonsense. On other transcripts: non-coding transcript variant (1).
Genome position (GRCh38, 1-based): chr7:107,661,795, A>T. VCF-style: chr7-107661795-A-T. GRCh37 (hg19) VCF-style: chr7-107302240-A-T.
Other names: short protein forms K52*.
Identifiers: ClinVar variation 560911 (VCV000560911.2), dbSNP rs1562817529, ClinGen allele CA368845262.

ClinVar aggregate classification (germline): Pathogenic/Likely pathogenic. Review status: no assertion criteria provided (0 of 4 stars). 2 submissions from 2 submitters: Pathogenic (1); Likely pathogenic (1). Last evaluated 2018-09-10.

Conditions:
Deafness. Identifiers: MedGen C0011053, HP:0000365.
Hearing loss, autosomal recessive. Also called: Rare autosomal recessive non-syndromic sensorineural deafness type DFNB; Nonsyndromic Hearing Loss, Recessive; Deafness, autosomal recessive; Autosomal recessive nonsyndromic deafness. Identifiers: Orphanet 90635, Orphanet 90636, MedGen C1846647, MONDO:0019588, OMIM 607197.

gnomAD v4.1: 2 of 1,537,802 alleles (0.00013%); highest among the groups gnomAD compares: South Asian, 0.0024%; no homozygotes.

Submissions (2):

Center for Statistical Genetics, Columbia University
Classification: Pathogenic for Deafness. Last evaluated: 2018-09-10. Review status: no assertion criteria provided. Collection method: research. Allele origin: inherited. Affected: yes.
Comment: Autosomal recessive

University of Washington Center for Mendelian Genomics, University of Washington
Classification: Likely pathogenic for non-syndromic autosomal recessive hearing loss. Review status: no assertion criteria provided. Collection method: research. Allele origin: inherited. Affected: yes.

Literature cited by the submitters: PubMed 30303587 (cited by University of Washington Center for Mendelian Genomics, University of Washington).